The following is an entry in ClinVar:

NM_014423.4(AFF4):c.2269T>C (p.Ser757Pro)

Gene: AFF4 (ALF transcription elongation factor 4; minus strand). Cytogenetic location: 5q31.1.
Variant type: single nucleotide variant.
Coding change: c.2269T>C on transcript NM_014423.4 (MANE Select); coding-DNA position 2269, T replaced by C.
Protein change: p.Ser757Pro; replaces serine 757 with proline.
Molecular consequence: missense variant.
Genome position (GRCh38, 1-based): chr5:132,896,361, A>G on the plus strand (T>C on the coding strand, the complement: AFF4 is on the minus strand). VCF-style: chr5-132896361-A-G. GRCh37 (hg19) VCF-style: chr5-132232053-A-G.
Other names: short protein forms S757P.
Identifiers: ClinVar variation 3347598 (VCV003347598.1).

ClinVar aggregate classification (germline): Uncertain significance (0 of 4 stars; one submission).

Conditions:
AFF4-related disorder. Also called: AFF4-related condition.

gnomAD v4.1: 11 of 1,598,112 alleles (0.00069%); highest among the groups gnomAD compares: East Asian, 0.025%; no homozygotes.

Submission:

PreventionGenetics, part of Exact Sciences
Classification: Uncertain significance for AFF4-related condition. Last evaluated: 2024-04-18. Review status: no assertion criteria provided. Collection method: clinical testing. Allele origin: germline.
Comment: The AFF4 c.2269T>C variant is predicted to result in the amino acid substitution p.Ser757Pro. To our knowledge, this variant has not been reported in the literature. This variant is reported in 0.041% of alleles in individuals of East Asian descent in gnomAD. Although we suspect that this variant may be benign, at this time, the clinical significance of this variant is uncertain due to the absence of conclusive functional and genetic evidence.